The following is an entry in ClinVar:

NM_001267550.2(TTN):c.66378dup (p.Glu22127Ter)

Genes: TTN-AS1 (TTN antisense RNA 1; plus strand), TTN (titin; minus strand). Cytogenetic location: 2q31.2.
Variant type: Duplication.
Coding change: c.66378dup on transcript NM_001267550.2 (MANE Select); coding-DNA position 66378, one base duplicated (T; older notation c.66378dupT).
Protein change: p.Glu22127Ter; replaces glutamic acid 22127 with a stop codon.
Molecular consequence: nonsense.
Genome position (GRCh38, 1-based): chr2:178,581,991, A duplicated on the plus strand (T on the coding strand, the reverse complement: TTN is on the minus strand). VCF-style (leftmost placement, unchanged base first): chr2-178581990-C-CA. GRCh37 (hg19) VCF-style: chr2-179446717-C-CA.
Other names: c.61455dup, p.Glu20486Ter (NM_001256850.1); c.39183dup, p.Glu13062Ter (NM_003319.4); c.58674dup, p.Glu19559Ter (NM_133378.4); c.39558dup, p.Glu13187Ter (NM_133432.3); c.39759dup, p.Glu13254Ter (NM_133437.4); short protein forms E13254*, E13187*, E13062*, E20486*, E19559*, E22127*.
Identifiers: ClinVar variation 2000831 (VCV002000831.4), dbSNP rs2469009135, ClinGen allele CA2580064730.

ClinVar aggregate classification (germline): Likely pathogenic (1 of 4 stars; one submission).

Conditions:
Dilated cardiomyopathy 1G (CMD1G). Identifiers: Orphanet 154, MedGen C1858763, MONDO:0011400, OMIM 604145.
Autosomal recessive limb-girdle muscular dystrophy type 2J (LGMDR10). Also called: Limb-girdle muscular dystrophy, type 2J; MUSCULAR DYSTROPHY, LIMB-GIRDLE, AUTOSOMAL RECESSIVE 10. Identifiers: Orphanet 140922, MedGen C1837342, MONDO:0012127, OMIM 608807.

Submission:

Labcorp Genetics (formerly Invitae), Labcorp
Classification: Likely pathogenic for Dilated cardiomyopathy 1G; Autosomal recessive limb-girdle muscular dystrophy type 2J. Last evaluated: 2024-10-18. Review status: criteria provided, single submitter. Criteria: Invitae Variant Classification Sherloc (09022015). Collection method: clinical testing. Allele origin: germline.
Comment: This sequence change creates a premature translational stop signal (p.Glu22127*) in the TTN gene. While this is not anticipated to result in nonsense mediated decay, it is expected to create a truncated TTN protein. This variant is not present in population databases (gnomAD no frequency). This variant has not been reported in the literature in individuals affected with TTN-related conditions. ClinVar contains an entry for this variant (Variation ID: 2000831). This variant is located in the A band of TTN (PMID: 25589632). Truncating variants in this region are significantly overrepresented in patients affected with dilated cardiomyopathy (PMID: 25589632). Truncating variants in this region have also been reported in individuals affected with autosomal recessive centronuclear myopathy (PMID: 23975875). In summary, the currently available evidence indicates that the variant is pathogenic, but additional data are needed to prove that conclusively. Therefore, this variant has been classified as Likely Pathogenic.

Literature cited by the submitters: PubMed 25589632; PubMed 23975875.